The following is an entry in ClinVar:

NM_205836.3(FBXO38):c.2377G>A (p.Asp793Asn)

Gene: FBXO38 (F-box protein 38; plus strand). Cytogenetic location: 5q32.
Variant type: single nucleotide variant.
Coding change: c.2377G>A on transcript NM_205836.3 (MANE Select); coding-DNA position 2377, G replaced by A.
Protein change: p.Asp793Asn; replaces aspartic acid 793 with asparagine.
Molecular consequence: missense variant. On other transcripts: intron variant (1).
Genome position (GRCh38, 1-based): chr5:148,427,671, G>A. VCF-style: chr5-148427671-G-A. GRCh37 (hg19) VCF-style: chr5-147807234-G-A.
Other names: c.2377G>A, p.Asp793Asn (NM_030793.5); c.1918+1970G>A (NM_001271723.2); short protein forms D793N.
Identifiers: ClinVar variation 2728395 (VCV002728395.3), dbSNP rs761853191, ClinGen allele CA3497502.

ClinVar aggregate classification (germline): Uncertain significance (1 of 4 stars; one submission).

Conditions:
Distal hereditary motor neuropathy type 2. Identifiers: Orphanet 139525, MedGen C3711384, MeSH C580044, MONDO:0015352.

Allele frequency attached by ClinVar (database versions not stated): gnomAD exomes below 0.00001; TOPMed 0.00001; ExAC 0.00003.
gnomAD v4.1: 6 of 1,614,186 alleles (0.00037%); highest among the groups gnomAD compares: Admixed American, 0.0083%; no homozygotes.

Submission:

Labcorp Genetics (formerly Invitae), Labcorp
Classification: Uncertain significance for Distal hereditary motor neuropathy type 2. Last evaluated: 2023-11-27. Review status: criteria provided, single submitter. Criteria: Invitae Variant Classification Sherloc (09022015). Collection method: clinical testing. Allele origin: germline.
Comment: This sequence change replaces aspartic acid, which is acidic and polar, with asparagine, which is neutral and polar, at codon 793 of the FBXO38 protein (p.Asp793Asn). This variant is present in population databases (rs761853191, gnomAD 0.01%). This variant has not been reported in the literature in individuals affected with FBXO38-related conditions. Advanced modeling of protein sequence and biophysical properties (such as structural, functional, and spatial information, amino acid conservation, physicochemical variation, residue mobility, and thermodynamic stability) performed at Invitae indicates that this missense variant is not expected to disrupt FBXO38 protein function with a negative predictive value of 80%. In summary, the available evidence is currently insufficient to determine the role of this variant in disease. Therefore, it has been classified as a Variant of Uncertain Significance.